The following is an entry in ClinVar:

ClinVar aggregate classification (germline): Uncertain significance (1 of 4 stars; one submission).

Conditions:
Hereditary nonpolyposis colorectal neoplasms. Identifiers: MedGen C0009405, MeSH D003123.

Submission:

Labcorp Genetics (formerly Invitae), Labcorp
Classification: Uncertain significance for Hereditary nonpolyposis colorectal neoplasms. Last evaluated: 2023-07-10. Review status: criteria provided, single submitter. Criteria: Invitae Variant Classification Sherloc (09022015). Collection method: clinical testing. Allele origin: germline.
Comment: Variants that disrupt the consensus splice site are a relatively common cause of aberrant splicing (PMID: 17576681, 9536098). Algorithms developed to predict the effect of sequence changes on RNA splicing suggest that this variant is not likely to affect RNA splicing. In summary, the available evidence is currently insufficient to determine the role of this variant in disease. Therefore, it has been classified as a Variant of Uncertain Significance. ClinVar contains an entry for this variant (Variation ID: 1001909). This variant has not been reported in the literature in individuals affected with PMS2-related conditions. The frequency data for this variant in the population databases (gnomAD) is considered unreliable due to the presence of homologous sequence, such as pseudogenes or paralogs, in the genome. This sequence change falls in intron 14 of the PMS2 gene. It does not directly change the encoded amino acid sequence of the PMS2 protein. It affects a nucleotide within the consensus splice site.

Literature cited by the submitters: PubMed 17576681; PubMed 9536098.

NM_000535.7(PMS2):c.2446-3C>T

Gene: PMS2 (PMS1 homolog 2, mismatch repair system component; minus strand). Cytogenetic location: 7p22.1.
Variant type: single nucleotide variant.
Coding change: c.2446-3C>T on transcript NM_000535.7 (MANE Select); 3 bases into the intron before coding-DNA position 2446, C replaced by T.
Molecular consequence: intron variant.
Genome position (GRCh38, 1-based): chr7:5,973,545, G>A on the plus strand (C>T on the coding strand, the complement: PMS2 is on the minus strand). VCF-style: chr7-5973545-G-A. GRCh37 (hg19) VCF-style: chr7-6013176-G-A.
Other names: c.2128-3C>T (NM_001322008.2, NM_001322007.2); c.1885-3C>T (NM_001322010.2); c.2041-3C>T (NM_001322004.2, NM_001322003.2, NM_001322005.2); c.1873-3C>T (NM_001322013.2); c.1513-3C>T (NM_001322012.2, NM_001322011.2); c.2137-3C>T (NM_001322015.2); c.2290-3C>T (NM_001322006.2); c.2479-3C>T (NM_001322014.2); and 1 more.
Identifiers: ClinVar variation 1001909 (VCV001001909.7), dbSNP rs1781512229, ClinGen allele CA1685246674.